The following is an entry in ClinVar:

NM_177972.3(TUB):c.565+6C>T

Genes: RIC3 (RIC3 acetylcholine receptor chaperone; minus strand), TUB (TUB bipartite transcription factor; plus strand). Cytogenetic location: 11p15.4.
Variant type: single nucleotide variant.
Coding change: c.565+6C>T on transcript NM_177972.3 (MANE Select); 6 bases into the intron after coding-DNA position 565, C replaced by T.
Molecular consequence: intron variant.
Genome position (GRCh38, 1-based): chr11:8,095,671, C>T. VCF-style: chr11-8095671-C-T. GRCh37 (hg19) VCF-style: chr11-8117218-C-T.
Other names: c.730+6C>T (NM_003320.5).
Identifiers: ClinVar variation 2109253 (VCV002109253.4), dbSNP rs770149144, ClinGen allele CA5871133.

ClinVar aggregate classification (germline): Uncertain significance (1 of 4 stars; one submission).

Allele frequency attached by ClinVar (database versions not stated): TOPMed below 0.00001; gnomAD 0.00001; ExAC 0.00002.
gnomAD v4.1: 7 of 1,584,692 alleles (0.00044%); highest among the groups gnomAD compares: South Asian, 0.0069%; no homozygotes.

Submission:

Labcorp Genetics (formerly Invitae), Labcorp
Classification: Uncertain significance. Last evaluated: 2024-10-15. Review status: criteria provided, single submitter. Criteria: Invitae Variant Classification Sherloc (09022015). Collection method: clinical testing. Allele origin: germline.
Comment: This sequence change falls in intron 6 of the TUB gene. It does not directly change the encoded amino acid sequence of the TUB protein. It affects a nucleotide within the consensus splice site. The frequency data for this variant in the population databases is considered unreliable, as metrics indicate poor data quality at this position in the gnomAD database. This variant has not been reported in the literature in individuals affected with TUB-related conditions. ClinVar contains an entry for this variant (Variation ID: 2109253). Variants that disrupt the consensus splice site are a relatively common cause of aberrant splicing (PMID: 17576681, 9536098). Algorithms developed to predict the effect of sequence changes on RNA splicing suggest that this variant is not likely to affect RNA splicing. In summary, the available evidence is currently insufficient to determine the role of this variant in disease. Therefore, it has been classified as a Variant of Uncertain Significance.

Literature cited by the submitters: PubMed 17576681; PubMed 9536098.